The following is an entry in ClinVar:

ClinVar aggregate classification (germline): Uncertain significance. Review status: criteria provided, multiple submitters, no conflicts (2 of 4 stars). 2 submissions from 2 submitters: Uncertain significance (2). Last evaluated 2025-06-09.

Conditions:
Hereditary cancer-predisposing syndrome. Also called: Tumor predisposition; Hereditary neoplastic syndrome; Hereditary Cancer Syndrome; Neoplastic Syndromes, Hereditary. Identifiers: Orphanet 140162, MedGen C0027672, MeSH D009386, MONDO:0015356.
Rhabdoid tumor predisposition syndrome 2 (RTPS2). Identifiers: Orphanet 231108, Orphanet 69077, MedGen C2750074, MONDO:0013224, OMIM 613325.

Submissions (2):

Labcorp Genetics (formerly Invitae), Labcorp
Classification: Uncertain significance for Rhabdoid tumor predisposition syndrome 2. Last evaluated: 2025-06-09. Review status: criteria provided, single submitter. Criteria: Invitae Variant Classification Sherloc (09022015). Collection method: clinical testing. Allele origin: germline.
Comment: This sequence change replaces glutamic acid, which is acidic and polar, with glycine, which is neutral and non-polar, at codon 431 of the SMARCA4 protein (p.Glu431Gly). This variant is not present in population databases (gnomAD no frequency). This variant has not been reported in the literature in individuals affected with SMARCA4-related conditions. ClinVar contains an entry for this variant (Variation ID: 1051882). Invitae Evidence Modeling of protein sequence and biophysical properties (such as structural, functional, and spatial information, amino acid conservation, physicochemical variation, residue mobility, and thermodynamic stability) indicates that this missense variant is expected to disrupt SMARCA4 protein function with a positive predictive value of 95%. In summary, the available evidence is currently insufficient to determine the role of this variant in disease. Therefore, it has been classified as a Variant of Uncertain Significance.

Ambry Genetics
Classification: Uncertain significance for Hereditary cancer-predisposing syndrome. Last evaluated: 2020-08-27. Review status: criteria provided, single submitter. Criteria: Ambry Variant Classification Scheme 2023. Collection method: clinical testing. Allele origin: germline.
Comment: The p.E431G variant (also known as c.1292A>G), located in coding exon 7 of the SMARCA4 gene, results from an A to G substitution at nucleotide position 1292. The glutamic acid at codon 431 is replaced by glycine, an amino acid with similar properties. This amino acid position is highly conserved in available vertebrate species. In addition, the in silico prediction for this alteration is inconclusive. Since supporting evidence is limited at this time, the clinical significance of this alteration remains unclear.

NM_003072.5(SMARCA4):c.1292A>G (p.Glu431Gly)

Gene: SMARCA4 (SWI/SNF related BAF chromatin remodeling complex subunit ATPase 4; plus strand). Cytogenetic location: 19p13.2.
Variant type: single nucleotide variant.
Coding change: c.1292A>G on transcript NM_003072.5 (MANE Select); coding-DNA position 1292, A replaced by G.
Protein change: p.Glu431Gly; replaces glutamic acid 431 with glycine.
Molecular consequence: missense variant. On other transcripts: non-coding transcript variant (1).
Genome position (GRCh38, 1-based): chr19:10,991,196, A>G. VCF-style: chr19-10991196-A-G. GRCh37 (hg19) VCF-style: chr19-11101872-A-G.
Other names: c.1292A>G, p.Glu431Gly (NM_001128844.3, NM_001128845.2, NM_001128846.2 and 5 more transcripts); short protein forms E431G.
Identifiers: ClinVar variation 1051882 (VCV001051882.8), dbSNP rs2145879071, ClinGen allele CA404060628.